The following is an entry in ClinVar:

ClinVar aggregate classification (germline): Uncertain significance. Review status: criteria provided, multiple submitters, no conflicts (2 of 4 stars). 2 submissions from 2 submitters: Uncertain significance (2). Last evaluated 2025-03-23.

Conditions:
Fanconi anemia (FA). Also called: Fanconi's anemia. Identifiers: Orphanet 84, MedGen C0015625, MeSH D005199, MONDO:0019391.

gnomAD v4.1: 1 of 1,613,358 alleles (0.000062%); highest among the groups gnomAD compares: Non-Finnish European, 0.000085%; no homozygotes.

Submissions (2):

Labcorp Genetics (formerly Invitae), Labcorp
Classification: Uncertain significance for Fanconi anemia. Last evaluated: 2025-03-23. Review status: criteria provided, single submitter. Criteria: Invitae Variant Classification Sherloc (09022015). Collection method: clinical testing. Allele origin: germline.
Comment: This sequence change replaces phenylalanine, which is neutral and non-polar, with leucine, which is neutral and non-polar, at codon 1261 of the FANCA protein (p.Phe1261Leu). This variant is not present in population databases (gnomAD no frequency). This variant has not been reported in the literature in individuals affected with FANCA-related conditions. ClinVar contains an entry for this variant (Variation ID: 2165169). Invitae Evidence Modeling of protein sequence and biophysical properties (such as structural, functional, and spatial information, amino acid conservation, physicochemical variation, residue mobility, and thermodynamic stability) indicates that this missense variant is not expected to disrupt FANCA protein function with a negative predictive value of 95%. In summary, the available evidence is currently insufficient to determine the role of this variant in disease. Therefore, it has been classified as a Variant of Uncertain Significance.

Quest Diagnostics Nichols Institute San Juan Capistrano
Classification: Uncertain significance. Last evaluated: 2024-06-21. Review status: criteria provided, single submitter. Criteria: Quest Diagnostics criteria. Collection method: clinical testing. Allele origin: unknown.
Comment: The FANCA c.3783C>G (p.Phe1261Leu) variant has not been reported in individuals with FANCA-related conditions in the published literature. It also has not been reported in large, multi-ethnic general populations (Genome Aggregation Database). Analysis of this variant using bioinformatics tools for the prediction of the effect of amino acid changes on protein structure and function yielded predictions that this variant is benign. Based on the available information, we are unable to determine the clinical significance of this variant.

NM_000135.4(FANCA):c.3783C>G (p.Phe1261Leu)

Genes: FANCA (FA complementation group A; minus strand), ZNF276 (zinc finger protein 276; plus strand). Cytogenetic location: 16q24.3.
Variant type: single nucleotide variant.
Coding change: c.3783C>G on transcript NM_000135.4 (MANE Select); coding-DNA position 3783, C replaced by G.
Protein change: p.Phe1261Leu; replaces phenylalanine 1261 with leucine.
Molecular consequence: missense variant. On other transcripts: 3 prime UTR variant (2), non-coding transcript variant (4).
Genome position (GRCh38, 1-based): chr16:89,740,849, G>C on the plus strand (C>G on the coding strand, the complement: FANCA is on the minus strand). VCF-style: chr16-89740849-G-C. GRCh37 (hg19) VCF-style: chr16-89807257-G-C.
Other names: c.3783C>G, p.Phe1261Leu (NM_001286167.3); c.*2603G>C (NM_001113525.2, NM_152287.4); c.3783C>G (NM_000135.3); short protein forms F1261L.
Identifiers: ClinVar variation 2165169 (VCV002165169.3), dbSNP rs2062115689, ClinGen allele CA397485220.